The following is an entry in ClinVar:

NM_144999.4(LRRC45):c.1309-8_1309-7del

Gene: LRRC45 (leucine rich repeat containing 45; plus strand). Cytogenetic location: 17q25.3.
Variant type: Deletion.
Coding change: c.1309-8_1309-7del on transcript NM_144999.4 (MANE Select); 8 bases into the intron before coding-DNA position 1309 through 7 bases into the intron before coding-DNA position 1309, 2 bases deleted (CT; older notation c.1309-8_1309-7delCT).
Molecular consequence: intron variant.
Genome position (GRCh38, 1-based): chr17:82,029,085-82,029,086, CT deleted. VCF-style (leftmost placement, unchanged base first): chr17-82029084-CCT-C. GRCh37 (hg19) VCF-style: chr17-79986960-CCT-C.
Identifiers: ClinVar variation 4981875 (VCV004981875.1).
Genomic context (GRCh38, chr17:82,029,084, plus strand): 5'-GGAGTCCGTGAGGAGAAGGTAGGGAGGCCCGCTCTCCACTCTGGCCCCACAATCCCTGCC[CCT>C]GAGCAGGTGGAGCATATGACCCGTCACCTGGAGGAGAGTGAGAAGGCCATGCAGGAGCGG-3'

ClinVar aggregate classification (germline): Likely benign (1 of 4 stars; one submission).

Conditions:
LRRC45-related disorder. Also called: LRRC45-related condition.

Submission:

PreventionGenetics, part of Exact Sciences
Classification: Likely benign for LRRC45-related condition. Last evaluated: 2026-02-03. Review status: criteria provided, single submitter. Criteria: ACMG Guidelines, 2015. Collection method: clinical testing. Allele origin: germline.
Comment: This variant is classified as likely benign based on ACMG/AMP sequence variant interpretation guidelines (Richards et al. 2015 PMID: 25741868, with internal and published modifications).